The following is an entry in ClinVar:

NM_002693.3(POLG):c.253G>A (p.Glu85Lys)

Genes: POLG (DNA polymerase gamma, catalytic subunit; minus strand), POLGARF (POLG alternative reading frame; minus strand). Cytogenetic location: 15q26.1.
Variant type: single nucleotide variant.
Coding change: c.253G>A on transcript NM_002693.3 (MANE Select); coding-DNA position 253, G replaced by A.
Protein change: p.Glu85Lys; replaces glutamic acid 85 with lysine.
Molecular consequence: missense variant.
Genome position (GRCh38, 1-based): chr15:89,333,502, C>T on the plus strand (G>A on the coding strand, the complement: POLG is on the minus strand). VCF-style: chr15-89333502-C-T. GRCh37 (hg19) VCF-style: chr15-89876733-C-T.
Other names: c.253G>A, p.Glu85Lys (NM_001126131.2); short protein forms E85K.
Identifiers: ClinVar variation 2754994 (VCV002754994.2), dbSNP rs1338282623, ClinGen allele CA393773269.

ClinVar aggregate classification (germline): Uncertain significance. Review status: criteria provided, multiple submitters, no conflicts (2 of 4 stars). 2 submissions from 2 submitters: Uncertain significance (2). Last evaluated 2023-10-22.

Conditions:
Progressive sclerosing poliodystrophy (MTDPS4A). Also called: NEURONAL DEGENERATION OF CHILDHOOD WITH LIVER DISEASE, PROGRESSIVE; Mitochondrial DNA depletion syndrome 4A (Alpers type); Mitochondrial DNA Depletion Syndrome 4A; ALPERS PROGRESSIVE INFANTILE POLIODYSTROPHY; Alpers Syndrome; ALPERS DIFFUSE DEGENERATION OF CEREBRAL GRAY MATTER WITH HEPATIC CIRRHOSIS. Identifiers: Orphanet 726, MedGen C0205710, MONDO:0008758, OMIM 203700.

gnomAD v4.1: 19 of 1,612,796 alleles (0.0012%); highest among the groups gnomAD compares: Non-Finnish European, 0.0016%; no homozygotes.

Submissions (2):

Labcorp Genetics (formerly Invitae), Labcorp
Classification: Uncertain significance for Progressive sclerosing poliodystrophy. Last evaluated: 2023-10-22. Review status: criteria provided, single submitter. Criteria: Invitae Variant Classification Sherloc (09022015). Collection method: clinical testing. Allele origin: germline.
Comment: This sequence change replaces glutamic acid, which is acidic and polar, with lysine, which is basic and polar, at codon 85 of the POLG protein (p.Glu85Lys). This variant is present in population databases (no rsID available, gnomAD 0.0009%). This variant has not been reported in the literature in individuals affected with POLG-related conditions. Advanced modeling of protein sequence and biophysical properties (such as structural, functional, and spatial information, amino acid conservation, physicochemical variation, residue mobility, and thermodynamic stability) performed at Invitae indicates that this missense variant is not expected to disrupt POLG protein function. In summary, the available evidence is currently insufficient to determine the role of this variant in disease. Therefore, it has been classified as a Variant of Uncertain Significance.

Blueprint Genetics
Classification: Uncertain significance. Last evaluated: 2021-01-18. Review status: criteria provided, single submitter. Criteria: ACMG Guidelines, 2015. Collection method: clinical testing. Allele origin: germline.